The following is an entry in ClinVar:

NM_000474.4(TWIST1):c.419C>T (p.Ser140Leu)

Gene: TWIST1 (twist family bHLH transcription factor 1; minus strand). Cytogenetic location: 7p21.1.
Variant type: single nucleotide variant.
Coding change: c.419C>T on transcript NM_000474.4 (MANE Select); coding-DNA position 419, C replaced by T.
Protein change: p.Ser140Leu; replaces serine 140 with leucine.
Molecular consequence: missense variant. On other transcripts: non-coding transcript variant (1).
Genome position (GRCh38, 1-based): chr7:19,116,903, G>A on the plus strand (C>T on the coding strand, the complement: TWIST1 is on the minus strand). VCF-style: chr7-19116903-G-A. GRCh37 (hg19) VCF-style: chr7-19156526-G-A.
Other names: c.419C>T (NM_000474.3); short protein forms S140L.
Identifiers: ClinVar variation 1420250 (VCV001420250.8), dbSNP rs1554441987, ClinGen allele CA367015480.

ClinVar aggregate classification (germline): Likely pathogenic. Review status: criteria provided, multiple submitters, no conflicts (2 of 4 stars). 2 submissions from 2 submitters: Likely pathogenic (2). Last evaluated 2025-10-16.

Conditions:
Saethre-Chotzen syndrome (SCS). Also called: ACROCEPHALY, SKULL ASYMMETRY, AND MILD SYNDACTYLY; ACS III; CHOTZEN SYNDROME. Identifiers: Orphanet 794, MedGen C0175699, MONDO:0007042, OMIM 101400.
TWIST1-related craniosynostosis (CRS1). Also called: CRANIOSYNOSTOSIS 1. Identifiers: Orphanet 63440, MedGen C4551902, MONDO:0007399, OMIM 123100. Inheritance: Heterogenous inheritance pattern.

Submissions (2):

GeneDx
Classification: Likely pathogenic. Last evaluated: 2025-10-16. Review status: criteria provided, single submitter. Criteria: GeneDx Variant Classification Process June 2021. Collection method: clinical testing. Allele origin: germline.
Comment: Not observed at significant frequency in large population cohorts (gnomAD); In silico analysis supports that this missense variant has a deleterious effect on protein structure/function; This variant is associated with the following publications: (PMID: 33937142, 22544111)

Labcorp Genetics (formerly Invitae), Labcorp
Classification: Likely pathogenic for TWIST1-related craniosynostosis; Saethre-Chotzen syndrome. Last evaluated: 2022-03-12. Review status: criteria provided, single submitter. Criteria: Invitae Variant Classification Sherloc (09022015). Collection method: clinical testing. Allele origin: germline.
Comment: This variant disrupts the p.Ser140 amino acid residue in TWIST1. Other variant(s) that disrupt this residue have been observed in individuals with TWIST1-related conditions (PMID: 22544111), which suggests that this may be a clinically significant amino acid residue. This missense change has been observed in individuals with clinical features of Saethre-Chotzen syndrome (PMID: 33937142; Invitae). It has also been observed to segregate with disease in related individuals. Algorithms developed to predict the effect of missense changes on protein structure and function (SIFT, PolyPhen-2, Align-GVGD) all suggest that this variant is likely to be disruptive. This sequence change replaces serine, which is neutral and polar, with leucine, which is neutral and non-polar, at codon 140 of the TWIST1 protein (p.Ser140Leu). This variant is not present in population databases (gnomAD no frequency). In summary, the currently available evidence indicates that the variant is pathogenic, but additional data are needed to prove that conclusively. Therefore, this variant has been classified as Likely Pathogenic.

Literature cited by the submitters: PubMed 22544111 (cited by Labcorp Genetics (formerly Invitae), Labcorp); PubMed 33937142 (cited by Labcorp Genetics (formerly Invitae), Labcorp).